The following is an entry in ClinVar:

NM_016239.4(MYO15A):c.9387-1G>C

Genes: MYO15A (myosin XVA; plus strand), LOC130060418 (ATAC-STARR-seq lymphoblastoid active region 11828; plus strand). Cytogenetic location: 17p11.2.
Variant type: single nucleotide variant.
Coding change: c.9387-1G>C on transcript NM_016239.4 (MANE Select); the canonical splice acceptor site of the intron before coding-DNA position 9387, G replaced by C.
Molecular consequence: splice acceptor variant.
Genome position (GRCh38, 1-based): chr17:18,161,316, G>C. VCF-style: chr17-18161316-G-C. GRCh37 (hg19) VCF-style: chr17-18064630-G-C.
Identifiers: ClinVar variation 2763547 (VCV002763547.3), dbSNP rs2545314608, ClinGen allele CA398635889.

ClinVar aggregate classification (germline): Likely pathogenic (1 of 4 stars; one submission).

Submission:

Labcorp Genetics (formerly Invitae), Labcorp
Classification: Likely pathogenic. Last evaluated: 2023-06-03. Review status: criteria provided, single submitter. Criteria: Invitae Variant Classification Sherloc (09022015). Collection method: clinical testing. Allele origin: germline.
Comment: In summary, the currently available evidence indicates that the variant is pathogenic, but additional data are needed to prove that conclusively. Therefore, this variant has been classified as Likely Pathogenic. Algorithms developed to predict the effect of sequence changes on RNA splicing suggest that this variant may disrupt the consensus splice site. This variant has not been reported in the literature in individuals affected with MYO15A-related conditions. This variant is not present in population databases (gnomAD no frequency). This sequence change affects an acceptor splice site in intron 56 of the MYO15A gene. It is expected to disrupt RNA splicing. Variants that disrupt the donor or acceptor splice site typically lead to a loss of protein function (PMID: 16199547), and loss-of-function variants in MYO15A are known to be pathogenic (PMID: 17546645).

Literature cited by the submitters: PubMed 16199547; PubMed 17546645.